The following is an entry in ClinVar:

ClinVar aggregate classification (germline): Uncertain significance (1 of 4 stars; one submission).

Conditions:
Inborn genetic diseases. Identifiers: MedGen C0950123, MeSH D030342.

gnomAD v4.1: 1 of 1,611,250 alleles (0.000062%); highest among the groups gnomAD compares: East Asian, 0.0022%; no homozygotes.

Submission:

Ambry Genetics
Classification: Uncertain significance for Inborn genetic diseases. Last evaluated: 2026-06-22. Review status: criteria provided, single submitter. Criteria: Ambry Variant Classification Scheme 2023. Collection method: clinical testing. Allele origin: germline.
Comment: The p.C167S variant (also known as c.500G>C), located in coding exon 5 of the FANCA gene, results from a G to C substitution at nucleotide position 500. The cysteine at codon 167 is replaced by serine, an amino acid with dissimilar properties. This amino acid position is conserved. In addition, the in silico prediction for this alteration is inconclusive. Based on the available evidence, the clinical significance of this variant remains unclear.

NM_000135.4(FANCA):c.500G>C (p.Cys167Ser)

Gene: FANCA (FA complementation group A; minus strand). Cytogenetic location: 16q24.3.
Variant type: single nucleotide variant.
Coding change: c.500G>C on transcript NM_000135.4 (MANE Select); coding-DNA position 500, G replaced by C.
Protein change: p.Cys167Ser; replaces cysteine 167 with serine.
Molecular consequence: missense variant. On other transcripts: intron variant (1).
Genome position (GRCh38, 1-based): chr16:89,810,729, C>G on the plus strand (G>C on the coding strand, the complement: FANCA is on the minus strand). VCF-style: chr16-89810729-C-G. GRCh37 (hg19) VCF-style: chr16-89877137-C-G.
Other names: c.500G>C, p.Cys167Ser (NM_001018112.3, NM_001286167.3); c.426+200G>C (NM_001351830.2); short protein forms C167S.
Identifiers: ClinVar variation 5036318 (VCV005036318.1).